The following is an entry in ClinVar:

NM_000257.4(MYH7):c.5291T>G (p.Met1764Arg)

Genes: MYH7 (myosin heavy chain 7; minus strand), LOC126861897 (BRD4-independent group 4 enhancer GRCh37_chr14:23884455-23885654; plus strand). Cytogenetic location: 14q11.2.
Variant type: single nucleotide variant.
Coding change: c.5291T>G on transcript NM_000257.4 (MANE Select); coding-DNA position 5291, T replaced by G.
Protein change: p.Met1764Arg; replaces methionine 1764 with arginine.
Molecular consequence: missense variant.
Genome position (GRCh38, 1-based): chr14:23,415,263, A>C on the plus strand (T>G on the coding strand, the complement: MYH7 is on the minus strand). VCF-style: chr14-23415263-A-C. GRCh37 (hg19) VCF-style: chr14-23884472-A-C.
Other names: c.5291T>G, p.Met1764Arg (NM_001407004.1); short protein forms M1764R.
Identifiers: ClinVar variation 3635993 (VCV003635993.2).

ClinVar aggregate classification (germline): Uncertain significance (1 of 4 stars; one submission).

Conditions:
Hypertrophic cardiomyopathy. Also called: HYPERTROPHIC MYOCARDIOPATHY. Identifiers: Orphanet 217569, MedGen C0007194, MeSH D002312, MONDO:0005045, HP:0001639.

Submission:

Labcorp Genetics (formerly Invitae), Labcorp
Classification: Uncertain significance for Hypertrophic cardiomyopathy. Last evaluated: 2024-11-12. Review status: criteria provided, single submitter. Criteria: Invitae Variant Classification Sherloc (09022015). Collection method: clinical testing. Allele origin: germline.
Comment: This sequence change replaces methionine, which is neutral and non-polar, with arginine, which is basic and polar, at codon 1764 of the MYH7 protein (p.Met1764Arg). This variant is not present in population databases (gnomAD no frequency). This variant has not been reported in the literature in individuals affected with MYH7-related conditions. Invitae Evidence Modeling of protein sequence and biophysical properties (such as structural, functional, and spatial information, amino acid conservation, physicochemical variation, residue mobility, and thermodynamic stability) indicates that this missense variant is not expected to disrupt MYH7 protein function with a negative predictive value of 95%. In summary, the available evidence is currently insufficient to determine the role of this variant in disease. Therefore, it has been classified as a Variant of Uncertain Significance.